The following is an entry in ClinVar:

NM_002282.3(KRT83):c.*138C>T

Gene: KRT83 (keratin 83; minus strand). Cytogenetic location: 12q13.13.
Variant type: single nucleotide variant.
Coding change: c.*138C>T on transcript NM_002282.3 (MANE Select); 138 bases downstream of the stop codon, C replaced by T.
Molecular consequence: 3 prime UTR variant.
Genome position (GRCh38, 1-based): chr12:52,314,493, G>A on the plus strand (C>T on the coding strand, the complement: KRT83 is on the minus strand). VCF-style: chr12-52314493-G-A. GRCh37 (hg19) VCF-style: chr12-52708277-G-A.
Identifiers: ClinVar variation 309490 (VCV000309490.9), dbSNP rs2857672, ClinGen allele CA10642731.
Genomic context (GRCh38, chr12:52,314,493, plus strand): 5'-AATGGGTCTATTCCCCAGCCACAGGCCCCTTTCCAGTGGGATGAAAGGTGGGGAGGAGCC[G>A]CTGGTGGGAATGAGCCGATGGTGTATTCTCAGAACACAAGGGGAAAAGCCAGCGATGTGC-3'

ClinVar aggregate classification (germline): Benign. Review status: criteria provided, multiple submitters, no conflicts (2 of 4 stars). 3 submissions from 3 submitters: Benign (3). Last evaluated 2018-11-12.

Conditions:
Monilethrix. Also called: Beaded hair. Identifiers: Orphanet 573, MedGen C0546966, MONDO:0008009, HP:0032470.

Allele frequency attached by ClinVar (database versions not stated): 1000 Genomes Project 0.36082; 1000 Genomes Project 30x 0.36961; gnomAD 0.39285 and 0.39671; TOPMed 0.39438.
gnomAD v4.1: 299,442 of 813,116 alleles (37%); highest among the groups gnomAD compares: African/African-American, 47%; 56,954 homozygotes.

Submissions (3):

GeneDx
Classification: Benign. Last evaluated: 2018-11-12. Review status: criteria provided, single submitter. Criteria: GeneDx Variant Classification Process June 2021. Collection method: clinical testing. Allele origin: germline. Affected: yes.

Illumina Laboratory Services, Illumina
Classification: Benign for MONILETHRIX 1. Last evaluated: 2018-01-13. Review status: criteria provided, single submitter. Criteria: ICSL Variant Classification Criteria 13 December 2019. Collection method: clinical testing. Allele origin: germline.
Comment: This variant was observed in the ICSL laboratory as part of a predisposition screen in an ostensibly healthy population. It had not been previously curated by ICSL or reported in the Human Gene Mutation Database (HGMD: prior to June 1st, 2018), and was therefore a candidate for classification through an automated scoring system. Utilizing variant allele frequency, disease prevalence and penetrance estimates, and inheritance mode, an automated score was calculated to assess if this variant is too frequent to cause the disease. Based on the score and internal cut-off values, a variant classified as benign is not then subjected to further curation. The score for this variant resulted in a classification of benign for this disease.

Breakthrough Genomics
Classification: Benign. Review status: criteria provided, single submitter. Criteria: ACMG Guidelines, 2015. Collection method: not provided. Allele origin: germline. Inheritance: Autosomal recessive inheritance. Affected: yes.